The following is an entry in ClinVar:

NM_153240.5(NPHP3):c.3280C>T (p.Arg1094Trp)

Genes: NPHP3 (nephrocystin 3; minus strand), NPHP3-ACAD11 (NPHP3-ACAD11 readthrough (NMD candidate); minus strand). Cytogenetic location: 3q22.1.
Variant type: single nucleotide variant.
Coding change: c.3280C>T on transcript NM_153240.5 (MANE Select); coding-DNA position 3280, C replaced by T.
Protein change: p.Arg1094Trp; replaces arginine 1094 with tryptophan.
Molecular consequence: missense variant. On other transcripts: non-coding transcript variant (1).
Genome position (GRCh38, 1-based): chr3:132,686,309, G>A on the plus strand (C>T on the coding strand, the complement: NPHP3 is on the minus strand). VCF-style: chr3-132686309-G-A. GRCh37 (hg19) VCF-style: chr3-132405153-G-A.
Other names: c.3280C>T (NM_153240.4); short protein forms R1094W.
Identifiers: ClinVar variation 1368552 (VCV001368552.4), dbSNP rs759495075, ClinGen allele CA2621789.

ClinVar aggregate classification (germline): Uncertain significance. Review status: criteria provided, multiple submitters, no conflicts (2 of 4 stars). 2 submissions from 2 submitters: Uncertain significance (2). Last evaluated 2025-11-06.

Conditions:
Nephronophthisis. Also called: Juvenile Nephronophthisis. Identifiers: Orphanet 655, MedGen C0687120, MONDO:0019005, HP:0000090.
Inborn genetic diseases. Identifiers: MedGen C0950123, MeSH D030342.

Allele frequency attached by ClinVar (database versions not stated): ExAC 0.00001; TOPMed 0.00001; gnomAD 0.00001 and 0.00002.
gnomAD v4.1: 24 of 1,613,690 alleles (0.0015%); highest among the groups gnomAD compares: Admixed American, 0.0017%; no homozygotes.

Submissions (2):

Ambry Genetics
Classification: Uncertain significance for Inborn genetic diseases. Last evaluated: 2025-11-06. Review status: criteria provided, single submitter. Criteria: Ambry Variant Classification Scheme 2023. Collection method: clinical testing. Allele origin: germline.

Labcorp Genetics (formerly Invitae), Labcorp
Classification: Uncertain significance for Nephronophthisis. Last evaluated: 2022-10-05. Review status: criteria provided, single submitter. Criteria: Invitae Variant Classification Sherloc (09022015). Collection method: clinical testing. Allele origin: germline.
Comment: This sequence change replaces arginine, which is basic and polar, with tryptophan, which is neutral and slightly polar, at codon 1094 of the NPHP3 protein (p.Arg1094Trp). This variant is present in population databases (rs759495075, gnomAD 0.003%). This variant has not been reported in the literature in individuals affected with NPHP3-related conditions. ClinVar contains an entry for this variant (Variation ID: 1368552). Advanced modeling of protein sequence and biophysical properties (such as structural, functional, and spatial information, amino acid conservation, physicochemical variation, residue mobility, and thermodynamic stability) performed at Invitae indicates that this missense variant is not expected to disrupt NPHP3 protein function. In summary, the available evidence is currently insufficient to determine the role of this variant in disease. Therefore, it has been classified as a Variant of Uncertain Significance.